The following is an entry in ClinVar:

NM_001378120.1(MBD5):c.3931G>T (p.Gly1311Cys)

Gene: MBD5 (methyl-CpG binding domain protein 5; plus strand). Cytogenetic location: 2q23.1.
Variant type: single nucleotide variant.
Coding change: c.3931G>T on transcript NM_001378120.1 (MANE Select); coding-DNA position 3931, G replaced by T.
Protein change: p.Gly1311Cys; replaces glycine 1311 with cysteine.
Molecular consequence: missense variant.
Genome position (GRCh38, 1-based): chr2:148,489,563, G>T. VCF-style: chr2-148489563-G-T. GRCh37 (hg19) VCF-style: chr2-149247132-G-T.
Other names: c.3232G>T, p.Gly1078Cys (NM_018328.5); short protein forms G1078C, G1311C.
Identifiers: ClinVar variation 2970077 (VCV002970077.3), dbSNP rs1200020074, ClinGen allele CA348725830.

ClinVar aggregate classification (germline): Uncertain significance (1 of 4 stars; one submission).

Conditions:
Intellectual developmental disorder, autosomal dominant 1. Also called: MBD5 Haploinsufficiency; Intellectual disability, autosomal dominant 1. Identifiers: Orphanet 228402, MedGen C1969562, MONDO:0007974, OMIM 156200.

gnomAD v4.1: 7 of 1,614,184 alleles (0.00043%); highest among the groups gnomAD compares: South Asian, 0.0077%; no homozygotes.

Submission:

Labcorp Genetics (formerly Invitae), Labcorp
Classification: Uncertain significance for Intellectual developmental disorder, autosomal dominant 1. Last evaluated: 2024-09-16. Review status: criteria provided, single submitter. Criteria: Invitae Variant Classification Sherloc (09022015). Collection method: clinical testing. Allele origin: germline.
Comment: This sequence change replaces glycine, which is neutral and non-polar, with cysteine, which is neutral and slightly polar, at codon 1078 of the MBD5 protein (p.Gly1078Cys). This variant is present in population databases (no rsID available, gnomAD 0.003%). This variant has not been reported in the literature in individuals affected with MBD5-related conditions. Experimental studies and prediction algorithms are not available or were not evaluated, and the functional significance of this variant is currently unknown. In summary, the available evidence is currently insufficient to determine the role of this variant in disease. Therefore, it has been classified as a Variant of Uncertain Significance.